The following is an entry in ClinVar:

NM_001142864.4(PIEZO1):c.136G>A (p.Gly46Ser)

Gene: PIEZO1 (piezo type mechanosensitive ion channel component 1 (Er blood group); minus strand). Cytogenetic location: 16q24.3.
Variant type: single nucleotide variant.
Coding change: c.136G>A on transcript NM_001142864.4 (MANE Select); coding-DNA position 136, G replaced by A.
Protein change: p.Gly46Ser; replaces glycine 46 with serine.
Molecular consequence: missense variant.
Genome position (GRCh38, 1-based): chr16:88,749,408, C>T on the plus strand (G>A on the coding strand, the complement: PIEZO1 is on the minus strand). VCF-style: chr16-88749408-C-T. GRCh37 (hg19) VCF-style: chr16-88815816-C-T.
Other names: short protein forms G46S.
Identifiers: ClinVar variation 3306420 (VCV003306420.4).

ClinVar aggregate classification (germline): Conflicting classifications of pathogenicity. Review status: criteria provided, conflicting classifications (1 of 4 stars). 3 submissions from 3 submitters: Likely pathogenic (1); Uncertain significance (2). Last evaluated 2024-10-16.

Conditions:
Dehydrated hereditary stomatocytosis with or without pseudohyperkalemia and/or perinatal edema (DHS1). Also called: PSEUDOHYPERKALEMIA EDINBURGH; DEHYDRATED HEREDITARY STOMATOCYTOSIS AND PSEUDOHYPERKALEMIA; DEHYDRATED HEREDITARY STOMATOCYTOSIS WITH PSEUDOHYPERKALEMIA AND PERINATAL EDEMA; Pseudohyperkalemia, familial, 1, due to red cell leak; Dehydrated hereditary stomatocytosis 1 with or without pseudohyperkalemia and/or perinatal edema. Identifiers: Orphanet 3202, MedGen C4551512, MONDO:0008689, OMIM 194380.
Inborn genetic diseases. Identifiers: MedGen C0950123, MeSH D030342.

gnomAD v4.1: 34 of 1,519,590 alleles (0.0022%); highest among the groups gnomAD compares: East Asian, 0.026%; no homozygotes.

Submissions (3):

Innovation Center for Diagnostics and Treatment of Thalassemia, Nanfang Hospital, Southern Medical University
Classification: Likely pathogenic for Dehydrated hereditary stomatocytosis with or without pseudohyperkalemia and/or perinatal edema. Last evaluated: 2024-10-16. Review status: criteria provided, single submitter. Criteria: ACMG Guidelines, 2015. Collection method: clinical testing. Allele origin: paternal. Inheritance: Autosomal dominant inheritance. Affected: yes. Observed: 1 heterozygote.
Comment: Disruption of PIEZO1 function can lead to Hereditary Xerocytosis. This sequence change replaces glycine with serine at codon 46 of the PIEZO1 protein (p.Gly46Ser). This variant is a low-frequency mutation in population databases (GnomAD: 0.000021), and the affected site is highly conserved across multiple species. Both SIFT and PolyPhen predict this to be a potentially pathogenic mutation. Structural modeling of the protein sequence and its biophysical properties suggests that this missense variant is likely to disrupt the function of the PIEZO1 protein. For these reasons, this variant has been classified as likely pathogenic.

Ambry Genetics
Classification: Uncertain significance for Inborn genetic diseases. Last evaluated: 2024-03-30. Review status: criteria provided, single submitter. Criteria: Ambry Variant Classification Scheme 2023. Collection method: clinical testing. Allele origin: germline.

Revvity Omics, Revvity
Classification: Uncertain significance. Last evaluated: 2023-12-20. Review status: criteria provided, single submitter. Criteria: ACMG Guidelines, 2015. Collection method: clinical testing. Allele origin: germline.